The following is an entry in ClinVar:

ClinVar aggregate classification (germline): Uncertain significance. Review status: criteria provided, multiple submitters, no conflicts (2 of 4 stars). 2 submissions from 2 submitters: Uncertain significance (2). Last evaluated 2024-02-14.

Allele frequency attached by ClinVar (database versions not stated): ExAC 0.00002; gnomAD 0.00006; ESP Exome Variant Server 0.00008; TOPMed 0.00008; 1000 Genomes Project 30x 0.00016; 1000 Genomes Project 0.00020.
gnomAD v4.1: 36 of 1,613,876 alleles (0.0022%); highest among the groups gnomAD compares: African/African-American, 0.021%; no homozygotes.

Submissions (2):

Labcorp Genetics (formerly Invitae), Labcorp
Classification: Uncertain significance. Last evaluated: 2024-02-14. Review status: criteria provided, single submitter. Criteria: Invitae Variant Classification Sherloc (09022015). Collection method: clinical testing. Allele origin: germline.
Comment: This sequence change replaces arginine, which is basic and polar, with cysteine, which is neutral and slightly polar, at codon 294 of the TOP1MT protein (p.Arg294Cys). This variant is present in population databases (rs144092447, gnomAD 0.02%). This variant has not been reported in the literature in individuals affected with TOP1MT-related conditions. ClinVar contains an entry for this variant (Variation ID: 1905589). Advanced modeling of protein sequence and biophysical properties (such as structural, functional, and spatial information, amino acid conservation, physicochemical variation, residue mobility, and thermodynamic stability) performed at Invitae indicates that this missense variant is expected to disrupt TOP1MT protein function with a positive predictive value of 80%. In summary, the available evidence is currently insufficient to determine the role of this variant in disease. Therefore, it has been classified as a Variant of Uncertain Significance.

Breakthrough Genomics
Classification: Uncertain significance. Review status: criteria provided, single submitter. Criteria: ACMG Guidelines, 2015. Collection method: not provided. Allele origin: germline. Inheritance: Autosomal recessive inheritance. Affected: yes.

NM_052963.3(TOP1MT):c.880C>T (p.Arg294Cys)

Gene: TOP1MT (DNA topoisomerase I mitochondrial; minus strand). Cytogenetic location: 8q24.3.
Variant type: single nucleotide variant.
Coding change: c.880C>T on transcript NM_052963.3 (MANE Select); coding-DNA position 880, C replaced by T.
Protein change: p.Arg294Cys; replaces arginine 294 with cysteine.
Molecular consequence: missense variant.
Genome position (GRCh38, 1-based): chr8:143,324,079, G>A on the plus strand (C>T on the coding strand, the complement: TOP1MT is on the minus strand). VCF-style: chr8-143324079-G-A. GRCh37 (hg19) VCF-style: chr8-144406249-G-A.
Other names: c.586C>T, p.Arg196Cys (NM_001258446.1, NM_001258447.1); short protein forms R294C, R196C.
Identifiers: ClinVar variation 1905589 (VCV001905589.6), dbSNP rs144092447, ClinGen allele CA4908643.